The following is an entry in ClinVar:

ClinVar aggregate classification (germline): Likely benign (1 of 4 stars; one submission).

Allele frequency attached by ClinVar (database versions not stated): ExAC 0.00030; gnomAD 0.00041; TOPMed 0.00060; 1000 Genomes Project 30x 0.00062; ESP Exome Variant Server 0.00062; 1000 Genomes Project 0.00080.
gnomAD v4.1: 577 of 1,602,240 alleles (0.036%); highest among the groups gnomAD compares: Middle Eastern, 0.28%; 1 homozygote.

Submission:

CeGaT Center for Human Genetics Tuebingen
Classification: Likely benign. Last evaluated: 2025-12-01. Review status: criteria provided, single submitter. Criteria: CeGaT Center For Human Genetics Tuebingen Variant Classification Criteria Version 2. Collection method: clinical testing. Allele origin: germline. Affected: yes. Observed: 3 variant alleles.
Comment: LTBP1: BP4

NM_206943.4(LTBP1):c.2410C>T (p.Pro804Ser)

Gene: LTBP1 (latent transforming growth factor beta binding protein 1; plus strand). Cytogenetic location: 2p22.3.
Variant type: single nucleotide variant.
Coding change: c.2410C>T on transcript NM_206943.4 (MANE Select); coding-DNA position 2410, C replaced by T.
Protein change: p.Pro804Ser; replaces proline 804 with serine.
Molecular consequence: missense variant.
Genome position (GRCh38, 1-based): chr2:33,259,602, C>T. VCF-style: chr2-33259602-C-T. GRCh37 (hg19) VCF-style: chr2-33484669-C-T.
Other names: c.1273C>T, p.Pro425Ser (NM_001394925.1, NM_001394926.1, NM_001394927.1 and 7 more transcripts); c.1432C>T, p.Pro478Ser (NM_000627.4, NM_001166264.2, NM_001394906.1 and 8 more transcripts); c.2251C>T, p.Pro751Ser (NM_001394905.1); c.1348C>T, p.Pro450Ser (NM_001394907.1, NM_001394914.1, NM_001394915.1); c.1189C>T, p.Pro397Ser (NM_001394916.1); short protein forms P397S, P425S, P450S, P478S, P751S, P804S.
Identifiers: ClinVar variation 3067214 (VCV003067214.21), dbSNP rs149319598, ClinGen allele CA1607357.